The following is an entry in ClinVar:

ClinVar aggregate classification (germline): Uncertain significance (1 of 4 stars; one submission).

Conditions:
Hereditary cancer-predisposing syndrome. Also called: Neoplastic Syndromes, Hereditary; Tumor predisposition; Hereditary Cancer Syndrome; Hereditary neoplastic syndrome. Identifiers: Orphanet 140162, MedGen C0027672, MeSH D009386, MONDO:0015356.

Submission:

Ambry Genetics
Classification: Uncertain significance for Hereditary cancer-predisposing syndrome. Last evaluated: 2021-07-08. Review status: criteria provided, single submitter. Criteria: Ambry Variant Classification Scheme 2023. Collection method: clinical testing. Allele origin: germline.
Comment: The p.T582A variant (also known as c.1744A>G), located in coding exon 13 of the POLD1 gene, results from an A to G substitution at nucleotide position 1744. The threonine at codon 582 is replaced by alanine, an amino acid with similar properties. This amino acid position is conserved. In addition, this alteration is predicted to be tolerated by in silico analysis. Since supporting evidence is limited at this time, the clinical significance of this alteration remains unclear.

NM_002691.4(POLD1):c.1744A>G (p.Thr582Ala)

Gene: POLD1 (DNA polymerase delta 1, catalytic subunit; plus strand). Cytogenetic location: 19q13.33.
Variant type: single nucleotide variant.
Coding change: c.1744A>G on transcript NM_002691.4 (MANE Select); coding-DNA position 1744, A replaced by G.
Protein change: p.Thr582Ala; replaces threonine 582 with alanine.
Molecular consequence: missense variant. On other transcripts: non-coding transcript variant (1).
Genome position (GRCh38, 1-based): chr19:50,407,384, A>G. VCF-style: chr19-50407384-A-G. GRCh37 (hg19) VCF-style: chr19-50910641-A-G.
Other names: c.1744A>G, p.Thr582Ala (NM_001256849.1, NM_001308632.1); short protein forms T582A.
Identifiers: ClinVar variation 1779250 (VCV001779250.2), dbSNP rs2514003478, ClinGen allele CA406981297.